The following is an entry in ClinVar:

ClinVar aggregate classification (germline): Likely pathogenic (1 of 4 stars; one submission).

Submission:

Quest Diagnostics Nichols Institute San Juan Capistrano
Classification: Likely pathogenic. Last evaluated: 2023-04-27. Review status: criteria provided, single submitter. Criteria: Quest Diagnostics criteria. Collection method: clinical testing. Allele origin: unknown.
Comment: This frameshift variant alters the translational reading frame of the HBB mRNA and is predicted to cause the premature termination of HBB protein synthesis. The variant has not been reported in individuals with HBB-related diseases in the published literature. It also has not been reported in large, multi-ethnic general populations. Based on the available information, this variant is classified as likely pathogenic.

NM_000518.5(HBB):c.263_267dup (p.Ser90delinsHisTer)

Genes: HBB (hemoglobin subunit beta; minus strand), LOC106099062 (HBB recombination region; plus strand), LOC107133510 (origin of replication at HBB; plus strand). Cytogenetic location: 11p15.4.
Variant type: Duplication.
Coding change: c.263_267dup on transcript NM_000518.5 (MANE Select); coding-DNA positions 263 to 267, 5 bases duplicated (CACTG; older notation c.263_267dupCACTG).
Protein change: p.Ser90delinsHisTer.
Molecular consequence: nonsense.
Genome position (GRCh38, 1-based): chr11:5,226,625-5,226,629, CAGTG duplicated on the plus strand (CACTG on the coding strand, the reverse complement: HBB is on the minus strand). VCF-style (leftmost placement, unchanged base first): chr11-5226624-T-TCAGTG. GRCh37 (hg19) VCF-style: chr11-5247854-T-TCAGTG.
Identifiers: ClinVar variation 2681986 (VCV002681986.1), dbSNP rs2494295306, ClinGen allele CA2697548397.